The following is an entry in ClinVar:

ClinVar aggregate classification (germline): Likely benign (1 of 4 stars; one submission).

Allele frequency attached by ClinVar (database versions not stated): TOPMed 0.00005.
gnomAD v4.1: 101 of 1,614,162 alleles (0.0063%); highest among the groups gnomAD compares: Middle Eastern, 0.033%; no homozygotes.

Submission:

CeGaT Center for Human Genetics Tuebingen
Classification: Likely benign. Last evaluated: 2022-03-01. Review status: criteria provided, single submitter. Criteria: CeGaT Center For Human Genetics Tuebingen Variant Classification Criteria Version 2. Collection method: clinical testing. Allele origin: germline. Affected: yes. Observed: 1 variant allele.
Comment: COLEC12: BP4, BP7

NM_130386.3(COLEC12):c.921C>T (p.Asn307=)

Gene: COLEC12 (collectin subfamily member 12; minus strand). Cytogenetic location: 18p11.32.
Variant type: single nucleotide variant.
Coding change: c.921C>T on transcript NM_130386.3 (MANE Select); coding-DNA position 921, C replaced by T.
Protein change: p.Asn307=; no amino-acid change (asparagine 307 retained).
Molecular consequence: synonymous variant.
Genome position (GRCh38, 1-based): chr18:346,701, G>A on the plus strand (C>T on the coding strand, the complement: COLEC12 is on the minus strand). VCF-style: chr18-346701-G-A. GRCh37 (hg19) VCF-style: chr18-346701-G-A.
Identifiers: ClinVar variation 2648511 (VCV002648511.24), dbSNP rs778854178, ClinGen allele CA8866970.